The following is an entry in ClinVar:

NM_006269.2(RP1):c.2385C>T (p.Ile795=)

Gene: RP1 (RP1 axonemal microtubule associated; plus strand). Cytogenetic location: 8q12.1.
Variant type: single nucleotide variant.
Coding change: c.2385C>T on transcript NM_006269.2 (MANE Select); coding-DNA position 2385, C replaced by T.
Protein change: p.Ile795=; no amino-acid change (isoleucine 795 retained).
Molecular consequence: synonymous variant.
Genome position (GRCh38, 1-based): chr8:54,626,267, C>T. VCF-style: chr8-54626267-C-T. GRCh37 (hg19) VCF-style: chr8-55538827-C-T.
Identifiers: ClinVar variation 363282 (VCV000363282.15), dbSNP rs184739468, ClinGen allele CA4751521.

ClinVar aggregate classification (germline): Benign/Likely benign. Review status: criteria provided, multiple submitters, no conflicts (2 of 4 stars). 4 submissions from 4 submitters: Benign (1); Likely benign (3). Last evaluated 2026-01-05.

Conditions:
Retinitis pigmentosa (RP). Identifiers: Orphanet 791, MedGen C0035334, MeSH D012174, MONDO:0019200, OMIM 268000. Inheritance: Autosomal dominant, autosomal recessive and X linked inheritance.

Allele frequency attached by ClinVar (database versions not stated): gnomAD exomes 0.00017 and 0.00043; ExAC 0.00048; ESP Exome Variant Server 0.00077; 1000 Genomes Project 0.00080; gnomAD 0.00097 and 0.00105; 1000 Genomes Project 30x 0.00109; TOPMed 0.00118.
gnomAD v4.1: 409 of 1,613,080 alleles (0.025%); highest among the groups gnomAD compares: African/African-American, 0.3%; no homozygotes.

Submissions (4):

Labcorp Genetics (formerly Invitae), Labcorp
Classification: Benign. Last evaluated: 2026-01-05. Review status: criteria provided, single submitter. Criteria: Invitae Variant Classification Sherloc (09022015). Collection method: clinical testing. Allele origin: germline.

Blueprint Genetics
Classification: Likely benign. Last evaluated: 2024-11-07. Review status: criteria provided, single submitter. Criteria: ACMG Guidelines, 2015. Collection method: clinical testing. Allele origin: germline.

Illumina Laboratory Services, Illumina
Classification: Likely benign for Retinitis pigmentosa. Last evaluated: 2018-01-12. Review status: criteria provided, single submitter. Criteria: ICSL Variant Classification Criteria 13 December 2019. Collection method: clinical testing. Allele origin: germline.
Comment: This variant was observed in the ICSL laboratory as part of a predisposition screen in an ostensibly healthy population. It had not been previously curated by ICSL or reported in the Human Gene Mutation Database (HGMD: prior to June 1st, 2018), and was therefore a candidate for classification through an automated scoring system. Utilizing variant allele frequency, disease prevalence and penetrance estimates, and inheritance mode, an automated score was calculated to assess if this variant is too frequent to cause the disease. Based on the score and internal cut-off values, a variant classified as likely benign is not then subjected to further curation. The score for this variant resulted in a classification of likely benign for this disease.

Breakthrough Genomics
Classification: Likely benign. Review status: criteria provided, single submitter. Criteria: ACMG Guidelines, 2015. Collection method: not provided. Allele origin: germline. Inheritance: Autosomal dominant inheritance. Affected: yes.